The following is an entry in ClinVar:

ClinVar aggregate classification (germline): Uncertain significance (1 of 4 stars; one submission).

Submission:

Ambry Genetics
Classification: Uncertain significance. Last evaluated: 2025-09-28. Review status: criteria provided, single submitter. Criteria: Ambry Variant Classification Scheme 2023. Collection method: clinical testing. Allele origin: germline.
Comment: The c.1900G>T (p.G634C) alteration is located in exon 4 (coding exon 4) of the SPATA31A6 gene. This alteration results from a G to T substitution at nucleotide position 1900, causing the glycine (G) at amino acid position 634 to be replaced by a cysteine (C). Based on data from gnomAD, the T allele has an overall frequency of <0.001% (0/19046) total alleles studied. The highest observed frequency was <0.001% (/) of alleles. Based on insufficient or conflicting evidence, the clinical significance of this alteration remains unclear.

NM_001145196.1(SPATA31A6):c.1900G>T (p.Gly634Cys)

Gene: SPATA31A6 (SPATA31 subfamily A member 6; plus strand). Cytogenetic location: 9p11.2.
Variant type: single nucleotide variant.
Coding change: c.1900G>T on transcript NM_001145196.1 (MANE Select); coding-DNA position 1900, G replaced by T.
Protein change: p.Gly634Cys; replaces glycine 634 with cysteine.
Molecular consequence: missense variant.
Genome position (GRCh38, 1-based): chr9:42,187,602, G>T. VCF-style: chr9-42187602-G-T. GRCh37 (hg19) VCF-style: chr9-43626787-C-A.
Other names: short protein forms G634C.
Identifiers: ClinVar variation 4588491 (VCV004588491.1).
Genomic context (GRCh38, chr9:42,187,602, plus strand): 5'-CAAGAGTCTCTGGATCTGATGCAGCTTCGGGACGAATCACCAGGGACAAGTCAGGCCAAG[G>T]GCAAACCCAGTCCCTGGCAGTCCTCCACGTCCACAGGTGAAAGCAGCAAGGAGGCACAGA-3'
Protein context (NP_001138668.1, residues 624-644): DESPGTSQAK[Gly634Cys]KPSPWQSSTS